The following is an entry in ClinVar:

NM_144773.4(PROKR2):c.767del (p.Pro256fs)

Gene: PROKR2 (prokineticin receptor 2; minus strand). Cytogenetic location: 20p12.3.
Variant type: Deletion.
Coding change: c.767del on transcript NM_144773.4 (MANE Select); coding-DNA position 767, one base deleted (C; older notation c.767delC).
Protein change: p.Pro256fs; shifts the reading frame from proline 256.
Molecular consequence: frameshift variant.
Genome position (GRCh38, 1-based): chr20:5,302,428, G deleted on the plus strand (C on the coding strand, the reverse complement: PROKR2 is on the minus strand); the first of 3 consecutive G bases (chr20:5,302,428-5,302,430); deleting any one gives the same sequence. VCF-style (leftmost placement, unchanged base first): chr20-5302427-AG-A. GRCh37 (hg19) VCF-style: chr20-5283073-AG-A.
Other names: c.767delC (NM_144773.4); short protein forms P256fs.
Identifiers: ClinVar variation 3339711 (VCV003339711.1).

ClinVar aggregate classification (germline): Uncertain significance (1 of 4 stars; one submission).

Submission:

Women's Health and Genetics/Laboratory Corporation of America, LabCorp
Classification: Uncertain significance. Last evaluated: 2024-06-06. Review status: criteria provided, single submitter. Criteria: LabCorp Variant Classification Summary - May 2015. Collection method: clinical testing. Allele origin: germline.
Comment: Variant summary: PROKR2 c.767delC (p.Pro256LeufsX51) results in a premature termination codon, predicted to cause a truncation of the encoded protein, and no downtream pathogenic variants have been reported. The variant was absent in 251422 control chromosomes. The available data on variant occurrences in the general population are insufficient to allow any conclusion about variant significance. To our knowledge, no occurrence of c.767delC in individuals affected with Kallmann Syndrome 3 and no experimental evidence demonstrating its impact on protein function have been reported. No submitters have cited clinical-significance assessments for this variant to ClinVar. Based on the evidence outlined above, the variant was classified as uncertain significance.